The following is an entry in ClinVar:

NM_000361.3(THBD):c.91G>A (p.Val31Ile)

Gene: THBD (thrombomodulin; minus strand). Cytogenetic location: 20p11.21.
Variant type: single nucleotide variant.
Coding change: c.91G>A on transcript NM_000361.3 (MANE Select); coding-DNA position 91, G replaced by A.
Protein change: p.Val31Ile; replaces valine 31 with isoleucine.
Molecular consequence: missense variant.
Genome position (GRCh38, 1-based): chr20:23,049,414, C>T on the plus strand (G>A on the coding strand, the complement: THBD is on the minus strand). VCF-style: chr20-23049414-C-T. GRCh37 (hg19) VCF-style: chr20-23030051-C-T.
Other names: short protein forms V31I.
Identifiers: ClinVar variation 4280335 (VCV004280335.1).

ClinVar aggregate classification (germline): Uncertain significance (1 of 4 stars; one submission).

Conditions:
Thrombomodulin-related bleeding disorder (THPH12). Also called: Thrombophilia due to thrombomodulin defect. Identifiers: Orphanet 436169, MedGen C3280976, MONDO:0013775, OMIM 614486.

Submission:

Genomenon, Inc
Classification: Uncertain significance for Thrombomodulin-related bleeding disorder. Last evaluated: 2025-09-22. Review status: criteria provided, single submitter. Criteria: Genomenon Sequence Variant Interpretation Standards - Updated. Collection method: curation. Allele origin: germline. Affected: no.
Comment: THBD p.Val31Ile (c.91G>A) is a missense variant that changes the amino acid at residue 31 from Valine to Isoleucine. This variant has been reported in the published literature (PMID:30982675). It is absent or not present at a significant frequency in gnomAD. In silico models agree that this variant is not damaging. In conclusion, we classify THBD p.Val31Ile (c.91G>A) as a variant of unknown significance.

Literature cited by the submitters: PubMed 30982675.